The following is an entry in ClinVar:

NM_001128425.2(MUTYH):c.192C>T (p.Ala64=)

Gene: MUTYH (mutY DNA glycosylase; minus strand). Cytogenetic location: 1p34.1.
Variant type: single nucleotide variant.
Coding change: c.192C>T on transcript NM_001128425.2 (MANE Plus Clinical); coding-DNA position 192, C replaced by T.
Protein change: p.Ala64=; no amino-acid change (alanine 64 retained).
Molecular consequence: synonymous variant. On other transcripts: intron variant (10).
Genome position (GRCh38, 1-based): chr1:45,333,569, G>A on the plus strand (C>T on the coding strand, the complement: MUTYH is on the minus strand). VCF-style: chr1-45333569-G-A. GRCh37 (hg19) VCF-style: chr1-45799241-G-A.
Other names: c.141C>T, p.Ala47= (NM_001293191.2); c.183C>T, p.Ala61= (NM_012222.3); c.-92-72C>T (NM_001350651.2); c.-97-72C>T (NM_001293192.2, NM_001293196.2); c.-156-8C>T (NM_001350650.2); c.116-8C>T (NM_001048171.2, NM_001048173.2, NM_001048174.2 and 1 more transcripts); c.158-5C>T (NM_001293190.2); c.116-5C>T (NM_001048172.2).
Identifiers: ClinVar variation 186772 (VCV000186772.25), dbSNP rs760321509, ClinGen allele CA011725.
Genomic context (GRCh38, chr1:45,333,569, plus strand): 5'-GTATGAGGAGACAGAGGCCTGCAATACCACCTCTTCCGGCTGCCTGGCCAGGCCTGCTGG[G>A]GCCCCAGGACACTCAGCAATCATCCCTGCACAGGCTGTGCATCAGGGTCTTGGGACACAG-3'
Protein context (NP_001121897.1, residues 54-74): CAGMIAECPG[Ala64=]PAGLARQPEE

ClinVar aggregate classification (germline): Conflicting classifications of pathogenicity. Review status: criteria provided, conflicting classifications (1 of 4 stars). 7 submissions from 7 submitters: Uncertain significance (1); Likely benign (6). Last evaluated 2026-01-30.

Conditions:
Hereditary cancer-predisposing syndrome. Also called: Neoplastic Syndromes, Hereditary; Tumor predisposition; Hereditary Cancer Syndrome; Hereditary neoplastic syndrome. Identifiers: Orphanet 140162, MedGen C0027672, MeSH D009386, MONDO:0015356.
Familial adenomatous polyposis 2. Also called: Adenomas, multiple colorectal; COLORECTAL ADENOMATOUS POLYPOSIS, AUTOSOMAL RECESSIVE; ADENOMAS, MULTIPLE COLORECTAL, AUTOSOMAL RECESSIVE; MYH-associated polyposis; MUTYH Polyposis; FAP type 2. Identifiers: Orphanet 220460, Orphanet 247798, MedGen C3272841, MONDO:0012041, OMIM 608456.

Allele frequency attached by ClinVar (database versions not stated): gnomAD exomes below 0.00001 and 0.00002; TOPMed below 0.00001; ExAC 0.00001; gnomAD 0.00003.
gnomAD v4.1: 31 of 1,613,200 alleles (0.0019%); highest among the groups gnomAD compares: East Asian, 0.049%; no homozygotes.

Submissions (7):

Labcorp Genetics (formerly Invitae), Labcorp
Classification: Likely benign for Familial adenomatous polyposis 2. Last evaluated: 2026-01-30. Review status: criteria provided, single submitter. Criteria: Invitae Variant Classification Sherloc (09022015). Collection method: clinical testing. Allele origin: germline.

All of Us Research Program, National Institutes of Health
Classification: Likely benign for Familial adenomatous polyposis 2. Last evaluated: 2023-06-28. Review status: criteria provided, single submitter. Criteria: ACMG Guidelines, 2015. Collection method: clinical testing. Allele origin: germline. Inheritance: Autosomal recessive inheritance. Observed: 1 variant allele, 1 heterozygote.
Comment: This study involves interpretation of variants in research participants for the purpose of population health screening. Participant phenotype was not available at the time of variant classification. Additional details can be found in publication PMID: 35346344, PMCID: PMC8962531

Women's Health and Genetics/Laboratory Corporation of America, LabCorp
Classification: Likely benign. Last evaluated: 2022-10-27. Review status: criteria provided, single submitter. Criteria: LabCorp Variant Classification Summary - May 2015. Collection method: clinical testing. Allele origin: germline.

GeneDx
Classification: Likely benign. Last evaluated: 2018-11-13. Review status: criteria provided, single submitter. Criteria: GeneDx Variant Classification Process June 2021. Collection method: clinical testing. Allele origin: germline. Affected: yes.
Comment: See Variant Classification Assertion Criteria.

Illumina Laboratory Services, Illumina
Classification: Uncertain significance for Familial adenomatous polyposis 2. Last evaluated: 2018-01-13. Review status: criteria provided, single submitter. Criteria: ICSL Variant Classification Criteria 13 December 2019. Collection method: clinical testing. Allele origin: germline.

Color Diagnostics, LLC DBA Color Health
Classification: Likely benign for Hereditary cancer-predisposing syndrome. Last evaluated: 2016-11-23. Review status: criteria provided, single submitter. Criteria: ACMG Guidelines, 2015. Collection method: clinical testing. Allele origin: germline.

Ambry Genetics
Classification: Likely benign for Hereditary cancer-predisposing syndrome. Last evaluated: 2014-10-15. Review status: criteria provided, single submitter. Criteria: Ambry Variant Classification Scheme 2023. Collection method: clinical testing. Allele origin: germline.